The following is an entry in ClinVar:

ClinVar aggregate classification (germline): Likely pathogenic (1 of 4 stars; one submission).

Conditions:
Mitochondrial complex III deficiency nuclear type 2. Identifiers: MedGen C3554605, MONDO:0014063, OMIM 615157.

Submission:

Diagnostics Services (NGS), CSIR - Centre For Cellular And Molecular Biology
Classification: Likely pathogenic for Mitochondrial complex III deficiency nuclear type 2. Last evaluated: 2024-01-05. Review status: criteria provided, single submitter. Criteria: ACMG Guidelines, 2015. Collection method: clinical testing. Allele origin: germline. Affected: yes. Observed: 1 variant allele, 1 homozygote.
Comment: The c.519+2T>A variant is not present in publicly available population databases like 1000 Genomes, EVS, ExAC, gnomAD, Indian Exome Database or our in-house exome database. This variant has neither been published in literature with TTC19-related conditions nor reported to clinical databases like ClinVar, Human Genome Mutation Database (HGMD) or OMIM, in any affected individuals. Algorithms developed to predict the effect of sequence changes on RNA splicing suggest that this variant can disrupt the consensus splice site. In-silico pathogenicity prediction programs like HSF3.1, MutationTaster2, CADD, Varsome, Franklin, InterVar etc predicted this variant to be likely deleterious by affecting mRNA splicing however these predictions were not confirmed by published translational studies.

NM_017775.4(TTC19):c.519+2T>A

Gene: TTC19 (tetratricopeptide repeat domain 19; plus strand). Cytogenetic location: 17p12.
Variant type: single nucleotide variant.
Coding change: c.519+2T>A on transcript NM_017775.4 (MANE Select); the canonical splice donor site of the intron after coding-DNA position 519, T replaced by A.
Molecular consequence: splice donor variant.
Genome position (GRCh38, 1-based): chr17:16,003,889, T>A. VCF-style: chr17-16003889-T-A. GRCh37 (hg19) VCF-style: chr17-15907203-T-A.
Other names: c.198+2T>A (NM_001271420.2).
Identifiers: ClinVar variation 2683759 (VCV002683759.1), dbSNP rs2549928140, ClinGen allele CA398387203.
Genomic context (GRCh38, chr17:16,003,889, plus strand): 5'-AGGCTGAACAACTTTTTAAAGCAACAATGAGTTACCTCCTTGGAGGGGGCATGAAGCAGG[T>A]AAGGACATTGCCTAGTATTGGCCCCTCACTGAAGCAGTTTTCAAAACAGTCTTGTCTCCT-3'